The following is an entry in ClinVar:

NM_014727.3(KMT2B):c.289C>T (p.Arg97Trp)

Gene: KMT2B (lysine methyltransferase 2B; plus strand). Cytogenetic location: 19q13.12.
Variant type: single nucleotide variant.
Coding change: c.289C>T on transcript NM_014727.3 (MANE Select); coding-DNA position 289, C replaced by T.
Protein change: p.Arg97Trp; replaces arginine 97 with tryptophan.
Molecular consequence: missense variant.
Genome position (GRCh38, 1-based): chr19:35,718,307, C>T. VCF-style: chr19-35718307-C-T. GRCh37 (hg19) VCF-style: chr19-36209209-C-T.
Other names: short protein forms R97W.
Identifiers: ClinVar variation 2844788 (VCV002844788.3), dbSNP rs1346488315, ClinGen allele CA405375517.
Genomic context (GRCh38, chr19:35,718,307, plus strand): 5'-CTGCGCCGGCTCCGCCGCCTGTGGGCCGGCCCGCGGGTCCAGCGGGGCCGGGGACGGGGT[C>T]GGGGCCGGGGCTGGGGCCCGAGTCGAGGCTGCGTGCCGGAGGAGGAGAGCAGTGACGGGG-3'
Protein context (NP_055542.1, residues 87-107): PRVQRGRGRG[Arg97Trp]GRGWGPSRGC

ClinVar aggregate classification (germline): Uncertain significance (1 of 4 stars; one submission).

Allele frequency attached by ClinVar (database versions not stated): gnomAD 0.00001.

Submission:

Labcorp Genetics (formerly Invitae), Labcorp
Classification: Uncertain significance. Last evaluated: 2024-02-05. Review status: criteria provided, single submitter. Criteria: Invitae Variant Classification Sherloc (09022015). Collection method: clinical testing. Allele origin: germline.
Comment: This sequence change replaces arginine, which is basic and polar, with tryptophan, which is neutral and slightly polar, at codon 97 of the KMT2B protein (p.Arg97Trp). This variant is not present in population databases (gnomAD no frequency). This variant has not been reported in the literature in individuals affected with KMT2B-related conditions. Advanced modeling of protein sequence and biophysical properties (such as structural, functional, and spatial information, amino acid conservation, physicochemical variation, residue mobility, and thermodynamic stability) performed at Invitae indicates that this missense variant is not expected to disrupt KMT2B protein function with a negative predictive value of 95%. In summary, the available evidence is currently insufficient to determine the role of this variant in disease. Therefore, it has been classified as a Variant of Uncertain Significance.